The following is an entry in ClinVar:

NM_001243156.2(TAF1C):c.1868C>T (p.Ala623Val)

Gene: TAF1C (TATA-box binding protein associated factor, RNA polymerase I subunit C; minus strand). Cytogenetic location: 16q24.1.
Variant type: single nucleotide variant.
Coding change: c.1868C>T on transcript NM_001243156.2 (MANE Select); coding-DNA position 1868, C replaced by T.
Protein change: p.Ala623Val; replaces alanine 623 with valine.
Molecular consequence: missense variant.
Genome position (GRCh38, 1-based): chr16:84,179,605, G>A on the plus strand (C>T on the coding strand, the complement: TAF1C is on the minus strand). VCF-style: chr16-84179605-G-A. GRCh37 (hg19) VCF-style: chr16-84213211-G-A.
Other names: c.1946C>T (NM_005679.3); c.950C>T, p.Ala317Val (NM_001243157.2, NM_001243158.2); c.719C>T, p.Ala240Val (NM_001243159.2); c.515C>T, p.Ala172Val (NM_001243160.2); c.1946C>T, p.Ala649Val (NM_005679.4); c.1664C>T, p.Ala555Val (NM_139353.3); short protein forms A172V, A240V, A317V, A555V, A623V, A649V.
Identifiers: ClinVar variation 2646911 (VCV002646911.25), dbSNP rs139380627, ClinGen allele CA8203459.
Genomic context (GRCh38, chr16:84,179,605, plus strand): 5'-AGCTCTGTGCTGCCCAGCATCTGGCGGTGGGTGAAGGTGGGTGCTGTCCACACAGGAGGA[G>A]CCAGGGGCACTTTTAGCAGGGCCTTCAGCCACTGGCTGCAGCCGGCAGTGTCCTGGGAGG-3'
Protein context (NP_001230085.2, residues 613-633): WLKALLKVPL[Ala623Val]PPVWTAPTFT

ClinVar aggregate classification (germline): Conflicting classifications of pathogenicity. Review status: criteria provided, conflicting classifications (1 of 4 stars). 2 submissions from 2 submitters: Uncertain significance (1); Likely benign (1). Last evaluated 2025-09-26.

Allele frequency attached by ClinVar (database versions not stated): ExAC 0.00085; ESP Exome Variant Server 0.00085; 1000 Genomes Project 0.00060; 1000 Genomes Project 30x 0.00078.
gnomAD v4.1: 1,976 of 1,612,754 alleles (0.12%); highest among the groups gnomAD compares: Middle Eastern, 0.21%; 2 homozygotes.

Submissions (2):

Ambry Genetics
Classification: Uncertain significance. Last evaluated: 2025-09-26. Review status: criteria provided, single submitter. Criteria: Ambry Variant Classification Scheme 2023. Collection method: clinical testing. Allele origin: germline.

CeGaT Center for Human Genetics Tuebingen
Classification: Likely benign. Last evaluated: 2023-07-01. Review status: criteria provided, single submitter. Criteria: CeGaT Center For Human Genetics Tuebingen Variant Classification Criteria Version 2. Collection method: clinical testing. Allele origin: germline. Affected: yes. Observed: 1 variant allele.
Comment: TAF1C: BP4, BS2